The following is an entry in ClinVar:

NM_005751.5(AKAP9):c.5779T>C (p.Tyr1927His)

Gene: AKAP9 (A-kinase anchoring protein 9; plus strand). Cytogenetic location: 7q21.2.
Variant type: single nucleotide variant.
Coding change: c.5779T>C on transcript NM_005751.5 (MANE Select); coding-DNA position 5779, T replaced by C.
Protein change: p.Tyr1927His; replaces tyrosine 1927 with histidine.
Molecular consequence: missense variant.
Genome position (GRCh38, 1-based): chr7:92,062,288, T>C. VCF-style: chr7-92062288-T-C. GRCh37 (hg19) VCF-style: chr7-91691602-T-C.
Other names: c.5779T>C, p.Tyr1927His (NM_147185.3); c.424T>C, p.Tyr142His (NM_001379277.1); c.5779T>C (NM_005751.4); short protein forms Y142H, Y1927H.
Identifiers: ClinVar variation 1448424 (VCV001448424.9), dbSNP rs756486044, ClinGen allele CA4336920.

ClinVar aggregate classification (germline): Conflicting classifications of pathogenicity. Review status: criteria provided, conflicting classifications (1 of 4 stars). 2 submissions from 2 submitters: Uncertain significance (1); Likely benign (1). Last evaluated 2024-03-13.

Conditions:
Cardiovascular phenotype. Identifiers: MedGen CN230736.
Long QT syndrome (LQTS). Identifiers: MedGen C0023976, MeSH D008133, MONDO:0002442. Disease mechanism: loss of function. Inheritance: Various modes of inheritance.

Allele frequency attached by ClinVar (database versions not stated): ExAC 0.00001; gnomAD 0.00001; TOPMed 0.00001; gnomAD exomes 0.00002.
gnomAD v4.1: 8 of 1,612,832 alleles (0.0005%); highest among the groups gnomAD compares: East Asian, 0.016%; no homozygotes.

Submissions (2):

Ambry Genetics
Classification: Likely benign for Cardiovascular phenotype. Last evaluated: 2024-03-13. Review status: criteria provided, single submitter. Criteria: Ambry Variant Classification Scheme 2023. Collection method: clinical testing. Allele origin: germline.

Labcorp Genetics (formerly Invitae), Labcorp
Classification: Uncertain significance for Long QT syndrome. Last evaluated: 2020-12-09. Review status: criteria provided, single submitter. Criteria: Invitae Variant Classification Sherloc (09022015). Collection method: clinical testing. Allele origin: germline.
Comment: This sequence change replaces tyrosine with histidine at codon 1927 of the AKAP9 protein (p.Tyr1927His). The tyrosine residue is highly conserved and there is a moderate physicochemical difference between tyrosine and histidine. This variant is present in population databases (rs756486044, ExAC 0.01%). In summary, the available evidence is currently insufficient to determine the role of this variant in disease. Therefore, it has been classified as a Variant of Uncertain Significance. Algorithms developed to predict the effect of missense changes on protein structure and function are either unavailable or do not agree on the potential impact of this missense change (SIFT: "Deleterious"; PolyPhen-2: "Probably Damaging"; Align-GVGD: "Class C0"). This variant has not been reported in the literature in individuals with AKAP9-related conditions.